The following is an entry in ClinVar:

NM_000038.6(APC):c.5080G>T (p.Gly1694Cys)

Gene: APC (APC regulator of Wnt signaling pathway; plus strand). Cytogenetic location: 5q22.2.
Variant type: single nucleotide variant.
Coding change: c.5080G>T on transcript NM_000038.6 (MANE Select); coding-DNA position 5080, G replaced by T.
Protein change: p.Gly1694Cys; replaces glycine 1694 with cysteine.
Molecular consequence: missense variant.
Genome position (GRCh38, 1-based): chr5:112,840,674, G>T. VCF-style: chr5-112840674-G-T. GRCh37 (hg19) VCF-style: chr5-112176371-G-T.
Other names: c.5080G>T, p.Gly1694Cys (NM_001127510.3, NM_001354895.2); c.5026G>T, p.Gly1676Cys (NM_001127511.3); c.5134G>T, p.Gly1712Cys (NM_001354896.2); c.5110G>T, p.Gly1704Cys (NM_001354897.2); c.5005G>T, p.Gly1669Cys (NM_001354898.2); c.4996G>T, p.Gly1666Cys (NM_001354899.2); c.4957G>T, p.Gly1653Cys (NM_001354900.2); c.4903G>T, p.Gly1635Cys (NM_001354901.2); and 5 more; short protein forms G1568C, G1593C, G1653C, G1704C, G1712C, G1669C, G1694C, G1411C.
Identifiers: ClinVar variation 1391393 (VCV001391393.8), dbSNP rs1580656018, ClinGen allele CA16032439.
Genomic context (GRCh38, chr5:112,840,674, plus strand): 5'-GGAGTTAGAGGAGGGGCACAGTCAGGTGAATTTGAAAAACGAGATACCATTCCTACAGAA[G>T]GCAGAAGTACAGATGAGGCTCAAGGAGGAAAAACCTCATCTGTAACCATACCTGAATTGG-3'
Protein context (NP_000029.2, residues 1684-1704): FEKRDTIPTE[Gly1694Cys]RSTDEAQGGK

ClinVar aggregate classification (germline): Uncertain significance (1 of 4 stars; one submission).

Conditions:
Familial adenomatous polyposis 1 (FAP1). Also called: FAMILIAL ADENOMATOUS POLYPOSIS 1, ATTENUATED; POLYPOSIS, ADENOMATOUS INTESTINAL. Identifiers: MedGen C2713442, MONDO:0021056, OMIM 175100. Disease mechanism: loss of function.

Submission:

Labcorp Genetics (formerly Invitae), Labcorp
Classification: Uncertain significance for Familial adenomatous polyposis 1. Last evaluated: 2020-11-20. Review status: criteria provided, single submitter. Criteria: Invitae Variant Classification Sherloc (09022015). Collection method: clinical testing. Allele origin: germline.
Comment: Algorithms developed to predict the effect of missense changes on protein structure and function (SIFT, PolyPhen-2, Align-GVGD) all suggest that this variant is likely to be disruptive, but these predictions have not been confirmed by published functional studies and their clinical significance is uncertain. In summary, the available evidence is currently insufficient to determine the role of this variant in disease. Therefore, it has been classified as a Variant of Uncertain Significance. This variant has not been reported in the literature in individuals with APC-related conditions. This sequence change replaces glycine with cysteine at codon 1694 of the APC protein (p.Gly1694Cys). The glycine residue is highly conserved and there is a large physicochemical difference between glycine and cysteine. This variant is not present in population databases (ExAC no frequency).